The following is an entry in ClinVar:

ClinVar aggregate classification (germline): Likely pathogenic (1 of 4 stars; one submission).

Conditions:
WDFY3-related disorder.

Submission:

PreventionGenetics, part of Exact Sciences
Classification: Likely pathogenic for WDFY3-related condition. Last evaluated: 2025-07-16. Review status: criteria provided, single submitter. Criteria: ACMG Guidelines, 2015. Collection method: clinical testing. Allele origin: germline.
Comment: The WDFY3 c.6165_6195delinsCAC variant is predicted to result in a frameshift and premature protein termination (p.Lys2055Asnfs*6). To our knowledge, this variant has not been reported in the literature or in a large population database (gnomAD), indicating this variant is rare. Frameshift variants in WDFY3 are expected to be pathogenic. This variant is interpreted as likely pathogenic.

NM_014991.6(WDFY3):c.6165_6195delinsCAC (p.Lys2055fs)

Gene: WDFY3 (WD repeat and FYVE domain containing 3; minus strand). Cytogenetic location: 4q21.23.
Variant type: Indel.
Coding change: c.6165_6195delinsCAC on transcript NM_014991.6 (MANE Select); coding-DNA positions 6165 to 6195, the reference bases replaced by CAC.
Protein change: p.Lys2055fs; shifts the reading frame from lysine 2055.
Molecular consequence: frameshift variant.
Genome position (GRCh38, 1-based): chr4:84,741,800-84,741,830, 31 bases replaced. GRCh37 (hg19): chr4:85,662,953-85,662,983.
Other names: short protein forms K2055fs.
Identifiers: ClinVar variation 5000405 (VCV005000405.1).